The following is an entry in ClinVar:

NM_181882.3(PRX):c.1767G>C (p.Lys589Asn)

Gene: PRX (periaxin; minus strand). Cytogenetic location: 19q13.2.
Variant type: single nucleotide variant.
Coding change: c.1767G>C on transcript NM_181882.3 (MANE Select); coding-DNA position 1767, G replaced by C.
Protein change: p.Lys589Asn; replaces lysine 589 with asparagine.
Molecular consequence: missense variant. On other transcripts: 3 prime UTR variant (1).
Genome position (GRCh38, 1-based): chr19:40,396,585, C>G on the plus strand (G>C on the coding strand, the complement: PRX is on the minus strand). VCF-style: chr19-40396585-C-G. GRCh37 (hg19) VCF-style: chr19-40902492-C-G.
Other names: c.2052G>C, p.Lys684Asn (NM_001411127.1); c.*1972G>C (NM_020956.2); short protein forms K589N, K684N.
Identifiers: ClinVar variation 3896965 (VCV003896965.1).

ClinVar aggregate classification (germline): Uncertain significance (1 of 4 stars; one submission).

gnomAD v4.1: 4 of 1,613,882 alleles (0.00025%); highest among the groups gnomAD compares: South Asian, 0.0022%; no homozygotes.

Submission:

Kariminejad - Najmabadi Pathology & Genetics Center
Classification: Uncertain significance. Last evaluated: 2021-05-10. Review status: criteria provided, single submitter. Criteria: ACMG Guidelines, 2015. Collection method: clinical testing. Allele origin: germline. Inheritance: Autosomal dominant inheritance. Affected: yes.
Comment: PM2